The following is an entry in ClinVar:

NM_182961.4(SYNE1):c.26066G>A (p.Gly8689Glu)

Gene: SYNE1 (spectrin repeat containing nuclear envelope protein 1; minus strand). Cytogenetic location: 6q25.2.
Variant type: single nucleotide variant.
Coding change: c.26066G>A on transcript NM_182961.4 (MANE Select); coding-DNA position 26066, G replaced by A.
Protein change: p.Gly8689Glu; replaces glycine 8689 with glutamic acid.
Molecular consequence: missense variant.
Genome position (GRCh38, 1-based): chr6:152,132,150, C>T on the plus strand (G>A on the coding strand, the complement: SYNE1 is on the minus strand). VCF-style: chr6-152132150-C-T. GRCh37 (hg19) VCF-style: chr6-152453285-C-T.
Other names: c.2672G>A, p.Gly891Glu (NM_001347701.2); c.2600G>A, p.Gly867Glu (NM_001347702.2); c.25922G>A, p.Gly8641Glu (NM_033071.5); short protein forms G8641E, G867E, G8689E, G891E.
Identifiers: ClinVar variation 1400716 (VCV001400716.8), dbSNP rs2152705585, ClinGen allele CA366075940.

ClinVar aggregate classification (germline): Uncertain significance (1 of 4 stars; one submission).

Conditions:
Emery-Dreifuss muscular dystrophy 4, autosomal dominant (EDMD4). Also called: EMERY-DREIFUSS MUSCULAR DYSTROPHY 4 WITH VARIABLE FEATURES. Identifiers: Orphanet 261, MedGen C2751807, MONDO:0013071, OMIM 612998.
Autosomal recessive ataxia, Beauce type. Also called: SYNE1-Related Autosomal Recessive Cerebellar Ataxia; Spinocerebellar ataxia, autosomal recessive 8; ATAXIA, RECESSIVE, OF BEAUCE; SYNE1 Deficiency. Identifiers: Orphanet 88644, MedGen C1853116, MONDO:0012549, OMIM 610743.

gnomAD v4.1: 1 of 1,614,140 alleles (0.000062%); highest among the groups gnomAD compares: Non-Finnish European, 0.000085%; no homozygotes.

Submission:

Labcorp Genetics (formerly Invitae), Labcorp
Classification: Uncertain significance for Emery-Dreifuss muscular dystrophy 4, autosomal dominant; Autosomal recessive ataxia, Beauce type. Last evaluated: 2021-04-18. Review status: criteria provided, single submitter. Criteria: Invitae Variant Classification Sherloc (09022015). Collection method: clinical testing. Allele origin: germline.
Comment: This variant is not present in population databases (ExAC no frequency). In summary, the available evidence is currently insufficient to determine the role of this variant in disease. Therefore, it has been classified as a Variant of Uncertain Significance. Algorithms developed to predict the effect of missense changes on protein structure and function are either unavailable or do not agree on the potential impact of this missense change (SIFT: "Deleterious"; PolyPhen-2: "Probably Damaging"; Align-GVGD: "Class C0"). This variant has not been reported in the literature in individuals with SYNE1-related conditions. This sequence change replaces glycine with glutamic acid at codon 8641 of the SYNE1 protein (p.Gly8641Glu). The glycine residue is highly conserved and there is a moderate physicochemical difference between glycine and glutamic acid.